The following is an entry in ClinVar:

ClinVar aggregate classification (germline): Conflicting classifications of pathogenicity. Review status: criteria provided, conflicting classifications (1 of 4 stars). 4 submissions from 4 submitters: Uncertain significance (2); Likely benign (2). Last evaluated 2025-12-03.

Conditions:
Cardiovascular phenotype. Identifiers: MedGen CN230736.
Familial hypobetalipoproteinemia 1. Also called: Hypobetalipoproteinemia, normotriglyceridemic; Acanthocytosis with hypobetalipoproteinemia; APOB-Related Familial Hypobetalipoproteinemia. Identifiers: MedGen C4551990, MONDO:0014252, OMIM 615558.
Hypercholesterolemia, autosomal dominant, type B (FHCL2). Also called: Familial Hypercholesterolemia Type B; APOLIPOPROTEIN B-100, FAMILIAL DEFECTIVE; APOLIPOPROTEIN B-100, FAMILIAL LIGAND-DEFECTIVE; APOB-Related Familial Hypercholesterolemia, Autosomal Dominant; Hyperlipoproteinemia Type IIb; HYPERCHOLESTEROLEMIA, FAMILIAL, DUE TO LIGAND-DEFECTIVE APOLIPOPROTEIN B. Identifiers: MedGen C1704417, MONDO:0007751, OMIM 144010.

Allele frequency attached by ClinVar (database versions not stated): ExAC 0.00003; gnomAD 0.00005 and 0.00006; gnomAD exomes 0.00005 and 0.00006; TOPMed 0.00005; 1000 Genomes Project 30x 0.00016; 1000 Genomes Project 0.00020.

Submissions (4):

Labcorp Genetics (formerly Invitae), Labcorp
Classification: Likely benign for Familial hypobetalipoproteinemia 1; Hypercholesterolemia, autosomal dominant, type B. Last evaluated: 2025-12-03. Review status: criteria provided, single submitter. Criteria: Invitae Variant Classification Sherloc (09022015). Collection method: clinical testing. Allele origin: germline.

GeneDx
Classification: Uncertain significance. Last evaluated: 2025-08-11. Review status: criteria provided, single submitter. Criteria: GeneDx Variant Classification Process June 2021. Collection method: clinical testing. Allele origin: germline. Affected: yes.
Comment: Identified in a patient with elevated low-density lipoprotein (LDL) in published literature, although this individual did not have hyperlipidemia or heart disease and the variant did not segregate with disease in this family (PMID: 9254062); In one published functional study, this variant did not cause defective LDL binding (PMID: 9254062); In silico analysis suggests that this missense variant does not alter protein structure/function; Also known as V3396M; This variant is associated with the following publications: (PMID: 19200547, 9254062)

Ambry Genetics
Classification: Uncertain significance for Cardiovascular phenotype. Last evaluated: 2025-07-22. Review status: criteria provided, single submitter. Criteria: Ambry Variant Classification Scheme 2023. Collection method: clinical testing. Allele origin: germline.
Comment: The p.V3423M variant (also known as c.10267G>A), located in coding exon 26 of the APOB gene, results from a G to A substitution at nucleotide position 10267. The valine at codon 3423 is replaced by methionine, an amino acid with highly similar properties. This amino acid position is conserved. In addition, this alteration is predicted to be tolerated by in silico analysis. Since supporting evidence is limited at this time, the clinical significance of this alteration remains unclear.

Blueprint Genetics
Classification: Likely benign. Last evaluated: 2020-01-31. Review status: criteria provided, single submitter. Criteria: ACMG Guidelines, 2015. Collection method: clinical testing. Allele origin: germline.

NM_000384.3(APOB):c.10267G>A (p.Val3423Met)

Gene: APOB (apolipoprotein B; minus strand). Cytogenetic location: 2p24.1.
Variant type: single nucleotide variant.
Coding change: c.10267G>A on transcript NM_000384.3 (MANE Select); coding-DNA position 10267, G replaced by A.
Protein change: p.Val3423Met; replaces valine 3423 with methionine.
Molecular consequence: missense variant.
Genome position (GRCh38, 1-based): chr2:21,006,601, C>T on the plus strand (G>A on the coding strand, the complement: APOB is on the minus strand). VCF-style: chr2-21006601-C-T. GRCh37 (hg19) VCF-style: chr2-21229473-C-T.
Other names: short protein forms V3423M.
Identifiers: ClinVar variation 627776 (VCV000627776.15), dbSNP rs199689957, ClinGen allele CA042928.
Genomic context (GRCh38, chr2:21,006,601, plus strand): 5'-CTTGCTTGAAATTCATTCTCAAAATTGGAATTTGGGCTTTTGTGGTTGTTGCCACTGACA[C>T]TTCCATATTTTTCGTGGTTAAGCTCACAGTACTGTTATGACTACCCTCCACAAATTTGTT-3'
Protein context (NP_000375.3, residues 3413-3433): TVSLTTKNME[Val3423Met]SVATTTKAQI